The following is an entry in ClinVar:

ClinVar aggregate classification (germline): Uncertain significance (1 of 4 stars; one submission).

Submission:

GeneDx
Classification: Uncertain significance. Last evaluated: 2026-10-10. Review status: criteria provided, single submitter. Criteria: GeneDx Variant Classification Process June 2021. Collection method: clinical testing. Allele origin: germline.
Comment: Not observed at significant frequency in large population cohorts (gnomAD); In silico analysis supports that this missense variant has a deleterious effect on protein structure/function; Has not been previously published as pathogenic or benign to our knowledge

NM_019066.5(MAGEL2):c.1235G>A (p.Gly412Glu)

Gene: MAGEL2 (MAGE family member L2; minus strand). Cytogenetic location: 15q11.2.
Variant type: single nucleotide variant.
Coding change: c.1235G>A on transcript NM_019066.5 (MANE Select); coding-DNA position 1235, G replaced by A.
Protein change: p.Gly412Glu; replaces glycine 412 with glutamic acid.
Molecular consequence: missense variant.
Genome position (GRCh38, 1-based): chr15:23,646,508, C>T on the plus strand (G>A on the coding strand, the complement: MAGEL2 is on the minus strand). VCF-style: chr15-23646508-C-T. GRCh37 (hg19) VCF-style: chr15-23891655-C-T.
Other names: short protein forms G412E.
Identifiers: ClinVar variation 3371532 (VCV003371532.2).
Genomic context (GRCh38, chr15:23,646,508, plus strand): 5'-TGTCGCACCGGTGGTGGGCCAGGGCGGATGGGTGGTGGGCCAGGGCGGATGGGCGGGGGC[C>T]CCTGGCGCATGGGCGGCGGCACCTGCCAGGTAACGGCTGGTGCCTGCCAGGTGACCTGCG-3'
Protein context (NP_061939.3, residues 402-422): TWQVPPPMRQ[Gly412Glu]PPPIRPGPPP